The following is an entry in ClinVar:

ClinVar aggregate classification (germline): Uncertain significance. Review status: criteria provided, multiple submitters, no conflicts (2 of 4 stars). 2 submissions from 2 submitters: Uncertain significance (2). Last evaluated 2025-03-18.

Conditions:
Cryopyrin associated periodic syndrome (CAPS). Identifiers: Orphanet 208650, MedGen C2316212, MONDO:0016168.

Allele frequency attached by ClinVar (database versions not stated): gnomAD exomes 0.00001; TOPMed 0.00001; ExAC 0.00002.
gnomAD v4.1: 13 of 1,613,920 alleles (0.00081%); highest among the groups gnomAD compares: Middle Eastern, 0.016%; no homozygotes.

Submissions (2):

Labcorp Genetics (formerly Invitae), Labcorp
Classification: Uncertain significance for Cryopyrin associated periodic syndrome. Last evaluated: 2025-03-18. Review status: criteria provided, single submitter. Criteria: Invitae Variant Classification Sherloc (09022015). Collection method: clinical testing. Allele origin: germline.
Comment: This sequence change replaces arginine, which is basic and polar, with cysteine, which is neutral and slightly polar, at codon 157 of the NLRP3 protein (p.Arg157Cys). This variant is present in population databases (rs778304232, gnomAD 0.003%). This variant has not been reported in the literature in individuals affected with NLRP3-related conditions. ClinVar contains an entry for this variant (Variation ID: 2079071). Invitae Evidence Modeling of protein sequence and biophysical properties (such as structural, functional, and spatial information, amino acid conservation, physicochemical variation, residue mobility, and thermodynamic stability) indicates that this missense variant is expected to disrupt NLRP3 protein function with a positive predictive value of 80%. In summary, the available evidence is currently insufficient to determine the role of this variant in disease. Therefore, it has been classified as a Variant of Uncertain Significance.

CeGaT Center for Human Genetics Tuebingen
Classification: Uncertain significance. Last evaluated: 2024-08-01. Review status: criteria provided, single submitter. Criteria: CeGaT Center For Human Genetics Tuebingen Variant Classification Criteria Version 2. Collection method: clinical testing. Allele origin: germline. Affected: yes. Observed: 1 variant allele.

NM_001243133.2(NLRP3):c.463C>T (p.Arg155Cys)

Gene: NLRP3 (NLR family pyrin domain containing 3; plus strand). Cytogenetic location: 1q44.
Variant type: single nucleotide variant.
Coding change: c.463C>T on transcript NM_001243133.2 (MANE Select); coding-DNA position 463, C replaced by T.
Protein change: p.Arg155Cys; replaces arginine 155 with cysteine.
Molecular consequence: missense variant.
Genome position (GRCh38, 1-based): chr1:247,423,912, C>T. VCF-style: chr1-247423912-C-T. GRCh37 (hg19) VCF-style: chr1-247587214-C-T.
Other names: c.463C>T, p.Arg155Cys (NM_001079821.3, NM_001127461.3, NM_001127462.3 and 1 more transcripts); c.469C>T, p.Arg157Cys (NM_004895.5); short protein forms R155C, R157C.
Identifiers: ClinVar variation 2079071 (VCV002079071.20), dbSNP rs778304232, ClinGen allele CA1494876.
Genomic context (GRCh38, chr1:247,423,912, plus strand): 5'-CGTAAGAAGTACAGAAAGTACGTGAGAAGCAGATTCCAGTGCATTGAAGACAGGAATGCC[C>T]GTCTGGGTGAGAGTGTGAGCCTCAACAAACGCTACACACGACTGCGTCTCATCAAGGAGC-3'
Protein context (NP_001230062.1, residues 145-165): RFQCIEDRNA[Arg155Cys]LGESVSLNKR